The following is an entry in ClinVar:

ClinVar aggregate classification (germline): Benign/Likely benign. Review status: criteria provided, multiple submitters, no conflicts (2 of 4 stars). 9 submissions from 9 submitters: Benign (5); Likely benign (3). 1 of the submissions does not count toward it. Last evaluated 2026-09-01.

Conditions:
EVC2-related disorder. Also called: EVC2-related condition.
Curry-Hall syndrome (WAD). Also called: WEYERS ACRODENTAL DYSOSTOSIS. Identifiers: Orphanet 952, MedGen C0457013, MONDO:0008673, OMIM 193530.
Ellis-van Creveld syndrome (EVC). Also called: MESOECTODERMAL DYSPLASIA; Chondroectodermal dysplasia. Identifiers: Orphanet 289, MedGen C0013903, MONDO:0009162, OMIM 225500.

Allele frequency attached by ClinVar (database versions not stated): 1000 Genomes Project 0.00260; 1000 Genomes Project 30x 0.00312; gnomAD 0.00362 and 0.00366; TOPMed 0.00410; ESP Exome Variant Server 0.00479.

Submissions (10):

CeGaT Center for Human Genetics Tuebingen
Classification: Likely benign. Last evaluated: 2026-09-01. Review status: criteria provided, single submitter. Criteria: CeGaT Center For Human Genetics Tuebingen Variant Classification Criteria Version 2. Collection method: clinical testing. Allele origin: germline. Affected: yes. Observed: 9 variant alleles.
Comment: EVC2: BS2

Women's Health and Genetics/Laboratory Corporation of America, LabCorp
Classification: Benign. Last evaluated: 2026-05-12. Review status: criteria provided, single submitter. Criteria: LabCorp Variant Classification Summary - May 2015. Collection method: clinical testing. Allele origin: germline.

Labcorp Genetics (formerly Invitae), Labcorp
Classification: Benign for Curry-Hall syndrome; Ellis-van Creveld syndrome. Last evaluated: 2026-01-31. Review status: criteria provided, single submitter. Criteria: Invitae Variant Classification Sherloc (09022015). Collection method: clinical testing. Allele origin: germline.

ARUP Laboratories, Molecular Genetics and Genomics, ARUP Laboratories
Classification: Benign. Last evaluated: 2024-02-27. Review status: criteria provided, single submitter. Criteria: ARUP Molecular Germline Variant Investigation Process 2024. Collection method: clinical testing. Allele origin: germline.

GeneDx
Classification: Benign. Last evaluated: 2018-07-23. Review status: criteria provided, single submitter. Criteria: GeneDx Variant Classification Process June 2021. Collection method: clinical testing. Allele origin: germline. Affected: yes.

Illumina Laboratory Services, Illumina
Classification: Likely benign for Ellis-van Creveld syndrome. Last evaluated: 2018-01-13. Review status: criteria provided, single submitter. Criteria: ICSL Variant Classification Criteria 13 December 2019. Collection method: clinical testing. Allele origin: germline.
Comment: This variant was observed in the ICSL laboratory as part of a predisposition screen in an ostensibly healthy population. It had not been previously curated by ICSL or reported in the Human Gene Mutation Database (HGMD: prior to June 1st, 2018), and was therefore a candidate for classification through an automated scoring system. Utilizing variant allele frequency, disease prevalence and penetrance estimates, and inheritance mode, an automated score was calculated to assess if this variant is too frequent to cause the disease. Based on the score and internal cut-off values, a variant classified as likely benign is not then subjected to further curation. The score for this variant resulted in a classification of likely benign for this disease.

Eurofins Ntd Llc (ga)
Classification: Benign. Last evaluated: 2015-06-22. Review status: criteria provided, single submitter. Criteria: EGL Classification Definitions 2015. Collection method: clinical testing. Allele origin: germline.

Breakthrough Genomics
Classification: Likely benign. Review status: criteria provided, single submitter. Criteria: ACMG Guidelines, 2015. Collection method: not provided. Allele origin: germline. Inheritance: Autosomal recessive inheritance. Affected: yes.

PreventionGenetics, part of Exact Sciences
Classification: Likely benign for EVC2-related condition. Last evaluated: 2020-01-03. Review status: no assertion criteria provided. Collection method: clinical testing. Allele origin: germline. Not counted in ClinVar's aggregate classification.
Comment: This variant is classified as likely benign based on ACMG/AMP sequence variant interpretation guidelines (Richards et al. 2015 PMID: 25741868, with internal and published modifications).

Dr. Peter K. Rogan Lab, Western University
No classification provided (evidence only). Condition: Uterine corpus endometrial carcinoma. Review status: no classification provided. Collection method: in vitro. Allele origin: not applicable. Functional consequence: retained intron. Not counted in ClinVar's aggregate classification.

NM_147127.5(EVC2):c.2047-9A>T

Gene: EVC2 (EvC ciliary complex subunit 2; minus strand). Cytogenetic location: 4p16.2.
Variant type: single nucleotide variant.
Coding change: c.2047-9A>T on transcript NM_147127.5 (MANE Select); 9 bases into the intron before coding-DNA position 2047, A replaced by T.
Molecular consequence: intron variant.
Genome position (GRCh38, 1-based): chr4:5,623,000, T>A on the plus strand (A>T on the coding strand, the complement: EVC2 is on the minus strand). VCF-style: chr4-5623000-T-A. GRCh37 (hg19) VCF-style: chr4-5624727-T-A.
Other names: c.1807-9A>T (NM_001166136.2).
Identifiers: ClinVar variation 281703 (VCV000281703.60), dbSNP rs73198154, ClinGen allele CA2834826.